The following is an entry in ClinVar:

NM_138694.4(PKHD1):c.10798G>A (p.Glu3600Lys)

Gene: PKHD1 (PKHD1 ciliary IPT domain containing fibrocystin/polyductin; minus strand). Cytogenetic location: 6p12.3.
Variant type: single nucleotide variant.
Coding change: c.10798G>A on transcript NM_138694.4 (MANE Select); coding-DNA position 10798, G replaced by A.
Protein change: p.Glu3600Lys; replaces glutamic acid 3600 with lysine.
Molecular consequence: missense variant.
Genome position (GRCh38, 1-based): chr6:51,659,328, C>T on the plus strand (G>A on the coding strand, the complement: PKHD1 is on the minus strand). VCF-style: chr6-51659328-C-T. GRCh37 (hg19) VCF-style: chr6-51524126-C-T.
Other names: short protein forms E3600K.
Identifiers: ClinVar variation 2149152 (VCV002149152.1), dbSNP rs2533439929, ClinGen allele CA364432022.

ClinVar aggregate classification (germline): Uncertain significance (1 of 4 stars; one submission).

Conditions:
Autosomal recessive polycystic kidney disease (ARPKD). Also called: AR polycystic kidney disease. Identifiers: Orphanet 731, Orphanet 8378, MedGen C0085548, MeSH D017044, MONDO:0009889.

Allele frequency attached by ClinVar (database versions not stated): gnomAD exomes 0.00002.
gnomAD v4.1: 27 of 1,613,840 alleles (0.0017%); highest among the groups gnomAD compares: Non-Finnish European, 0.0023%; no homozygotes.

Submission:

Labcorp Genetics (formerly Invitae), Labcorp
Classification: Uncertain significance for Autosomal recessive polycystic kidney disease. Last evaluated: 2022-09-27. Review status: criteria provided, single submitter. Criteria: Invitae Variant Classification Sherloc (09022015). Collection method: clinical testing. Allele origin: germline.
Comment: This sequence change replaces glutamic acid, which is acidic and polar, with lysine, which is basic and polar, at codon 3600 of the PKHD1 protein (p.Glu3600Lys). This variant is not present in population databases (gnomAD no frequency). This variant has not been reported in the literature in individuals affected with PKHD1-related conditions. Advanced modeling of protein sequence and biophysical properties (such as structural, functional, and spatial information, amino acid conservation, physicochemical variation, residue mobility, and thermodynamic stability) performed at Invitae indicates that this missense variant is not expected to disrupt PKHD1 protein function. In summary, the available evidence is currently insufficient to determine the role of this variant in disease. Therefore, it has been classified as a Variant of Uncertain Significance.